The following continues an entry in ClinVar:

NM_002335.4(LRP5):c.4574C>T (p.Ala1525Val)

Gene: LRP5. ClinVar aggregate classification (germline): Benign. Benign (9).

Submissions 66 to 77 of 77:

Dr. Peter K. Rogan Lab, Western University
No classification provided (evidence only). Condition: Ovarian serous cystadenocarcinoma. Review status: no classification provided. Collection method: in vitro. Allele origin: not applicable. Functional consequence: retained intron. Not counted in ClinVar's aggregate classification.

Dr. Peter K. Rogan Lab, Western University
No classification provided (evidence only). Condition: Ovarian serous cystadenocarcinoma. Review status: no classification provided. Collection method: in vitro. Allele origin: not applicable. Functional consequence: retained intron. Not counted in ClinVar's aggregate classification.

Dr. Peter K. Rogan Lab, Western University
No classification provided (evidence only). Condition: Ovarian serous cystadenocarcinoma. Review status: no classification provided. Collection method: in vitro. Allele origin: not applicable. Functional consequence: retained intron. Not counted in ClinVar's aggregate classification.

Dr. Peter K. Rogan Lab, Western University
No classification provided (evidence only). Condition: Gastric cancer. Review status: no classification provided. Collection method: in vitro. Allele origin: not applicable. Functional consequence: retained intron. Not counted in ClinVar's aggregate classification.

Dr. Peter K. Rogan Lab, Western University
No classification provided (evidence only). Condition: Gastric cancer. Review status: no classification provided. Collection method: in vitro. Allele origin: not applicable. Functional consequence: retained intron. Not counted in ClinVar's aggregate classification.

Dr. Peter K. Rogan Lab, Western University
No classification provided (evidence only). Condition: Gastric cancer. Review status: no classification provided. Collection method: in vitro. Allele origin: not applicable. Functional consequence: retained intron. Not counted in ClinVar's aggregate classification.

Dr. Peter K. Rogan Lab, Western University
No classification provided (evidence only). Condition: Gastric cancer. Review status: no classification provided. Collection method: in vitro. Allele origin: not applicable. Functional consequence: retained intron. Not counted in ClinVar's aggregate classification.

Dr. Peter K. Rogan Lab, Western University
No classification provided (evidence only). Condition: Uterine carcinosarcoma. Review status: no classification provided. Collection method: in vitro. Allele origin: not applicable. Functional consequence: retained intron. Not counted in ClinVar's aggregate classification.

Dr. Peter K. Rogan Lab, Western University
No classification provided (evidence only). Condition: Malignant tumor of esophagus. Review status: no classification provided. Collection method: in vitro. Allele origin: not applicable. Functional consequence: retained intron. Not counted in ClinVar's aggregate classification.

Genome Diagnostics Laboratory, Amsterdam University Medical Center
Classification: Likely benign. Review status: no assertion criteria provided. Collection method: clinical testing. Allele origin: germline. Affected: yes. Study: VKGL Data-share Consensus. Not counted in ClinVar's aggregate classification.

Genome Diagnostics Laboratory, University Medical Center Utrecht
Classification: Likely benign. Review status: no assertion criteria provided. Collection method: clinical testing. Allele origin: germline. Affected: yes. Study: VKGL Data-share Consensus. Not counted in ClinVar's aggregate classification.

Laboratory of Diagnostic Genome Analysis, Leiden University Medical Center (LUMC)
Classification: Likely benign. Review status: no assertion criteria provided. Collection method: clinical testing. Allele origin: germline. Affected: yes. Study: VKGL Data-share Consensus. Not counted in ClinVar's aggregate classification.

Literature cited by the submitters: PubMed 25829125 (cited by Athena Diagnostics); PubMed 20045498 (cited by Athena Diagnostics); PubMed 16956801 (cited by Athena Diagnostics and Mayo Clinic Laboratories, Mayo Clinic); PubMed 15024691 (cited by Athena Diagnostics); PubMed 15824851 (cited by Athena Diagnostics); PubMed 18721193 (cited by Athena Diagnostics).